The following is an entry in ClinVar:

ClinVar aggregate classification (germline): Uncertain significance (1 of 4 stars; one submission).

gnomAD v4.1: 1 of 1,614,138 alleles (0.000062%); highest among the groups gnomAD compares: Non-Finnish European, 0.000085%; no homozygotes.

Submission:

GeneDx
Classification: Uncertain significance. Last evaluated: 2024-11-11. Review status: criteria provided, single submitter. Criteria: GeneDx Variant Classification Process June 2021. Collection method: clinical testing. Allele origin: germline. Affected: yes.
Comment: Not observed at significant frequency in large population cohorts (gnomAD); In silico analysis indicates that this missense variant does not alter protein structure/function; Has not been previously published as pathogenic or benign to our knowledge

NM_032436.4(CHAMP1):c.1559C>G (p.Ser520Cys)

Gene: CHAMP1 (chromosome alignment maintaining phosphoprotein 1; plus strand). Cytogenetic location: 13q34.
Variant type: single nucleotide variant.
Coding change: c.1559C>G on transcript NM_032436.4 (MANE Select); coding-DNA position 1559, C replaced by G.
Protein change: p.Ser520Cys; replaces serine 520 with cysteine.
Molecular consequence: missense variant.
Genome position (GRCh38, 1-based): chr13:114,325,401, C>G. VCF-style: chr13-114325401-C-G. GRCh37 (hg19) VCF-style: chr13-115090876-C-G.
Other names: c.1559C>G, p.Ser520Cys (NM_001164144.3, NM_001164145.3); short protein forms S520C.
Identifiers: ClinVar variation 3898765 (VCV003898765.1).